The following is an entry in ClinVar:

NM_000368.5(TSC1):c.979C>T (p.Pro327Ser)

Gene: TSC1 (TSC complex subunit 1; minus strand). Cytogenetic location: 9q34.13.
Variant type: single nucleotide variant.
Coding change: c.979C>T on transcript NM_000368.5 (MANE Select); coding-DNA position 979, C replaced by T.
Protein change: p.Pro327Ser; replaces proline 327 with serine.
Molecular consequence: missense variant. On other transcripts: 5 prime UTR variant (2), non-coding transcript variant (5).
Genome position (GRCh38, 1-based): chr9:132,911,503, G>A on the plus strand (C>T on the coding strand, the complement: TSC1 is on the minus strand). VCF-style: chr9-132911503-G-A. GRCh37 (hg19) VCF-style: chr9-135786890-G-A.
Other names: c.979C>T, p.Pro327Ser (NM_001162426.2, NM_001406592.1, NM_001406593.1 and 16 more transcripts); c.826C>T, p.Pro276Ser (NM_001162427.2, NM_001406610.1, NM_001406611.1 and 2 more transcripts); c.616C>T, p.Pro206Ser (NM_001362177.2, NM_001406615.1, NM_001406616.1 and 10 more transcripts); c.28C>T, p.Pro10Ser (NM_001406626.1, NM_001406627.1, NM_001406628.1); c.-115C>T (NM_001406629.1, NM_001406630.1); short protein forms P10S, P276S, P206S, P327S.
Identifiers: ClinVar variation 2708077 (VCV002708077.3), dbSNP rs2131977919, ClinGen allele CA375368633.

ClinVar aggregate classification (germline): Uncertain significance (1 of 4 stars; one submission).

Conditions:
Tuberous sclerosis 1 (TSC1). Identifiers: Orphanet 805, MedGen C1854465, MONDO:0008612, OMIM 191100.

Submission:

Labcorp Genetics (formerly Invitae), Labcorp
Classification: Uncertain significance for Tuberous sclerosis 1. Last evaluated: 2023-06-10. Review status: criteria provided, single submitter. Criteria: Invitae Variant Classification Sherloc (09022015). Collection method: clinical testing. Allele origin: germline.
Comment: This sequence change replaces proline, which is neutral and non-polar, with serine, which is neutral and polar, at codon 327 of the TSC1 protein (p.Pro327Ser). This variant is not present in population databases (gnomAD no frequency). This variant has not been reported in the literature in individuals affected with TSC1-related conditions. Advanced modeling of protein sequence and biophysical properties (such as structural, functional, and spatial information, amino acid conservation, physicochemical variation, residue mobility, and thermodynamic stability) performed at Invitae indicates that this missense variant is not expected to disrupt TSC1 protein function. In summary, the available evidence is currently insufficient to determine the role of this variant in disease. Therefore, it has been classified as a Variant of Uncertain Significance.